The following is an entry in ClinVar:

NM_001127198.5(TMC6):c.1333G>T (p.Ala445Ser)

Gene: TMC6 (transmembrane channel like 6; minus strand). Cytogenetic location: 17q25.3.
Variant type: single nucleotide variant.
Coding change: c.1333G>T on transcript NM_001127198.5 (MANE Select); coding-DNA position 1333, G replaced by T.
Protein change: p.Ala445Ser; replaces alanine 445 with serine.
Molecular consequence: missense variant. On other transcripts: non-coding transcript variant (4).
Genome position (GRCh38, 1-based): chr17:78,121,606, C>A on the plus strand (G>T on the coding strand, the complement: TMC6 is on the minus strand). VCF-style: chr17-78121606-C-A. GRCh37 (hg19) VCF-style: chr17-76117687-C-A.
Other names: c.1333G>T, p.Ala445Ser (NM_001321185.1, NM_001374593.1, NM_001374594.1 and 4 more transcripts); short protein forms A445S.
Identifiers: ClinVar variation 1994852 (VCV001994852.4), dbSNP rs750556964, ClinGen allele CA401229754.

ClinVar aggregate classification (germline): Uncertain significance (1 of 4 stars; one submission).

Conditions:
Epidermodysplasia verruciformis. Identifiers: Orphanet 302, MedGen C0014522, MONDO:0009176.

gnomAD v4.1: 2 of 1,611,288 alleles (0.00012%); highest among the groups gnomAD compares: Non-Finnish European, 0.00017%; no homozygotes.

Submission:

Labcorp Genetics (formerly Invitae), Labcorp
Classification: Uncertain significance for Epidermodysplasia verruciformis. Last evaluated: 2022-05-15. Review status: criteria provided, single submitter. Criteria: Invitae Variant Classification Sherloc (09022015). Collection method: clinical testing. Allele origin: germline.
Comment: In summary, the available evidence is currently insufficient to determine the role of this variant in disease. Therefore, it has been classified as a Variant of Uncertain Significance. Algorithms developed to predict the effect of missense changes on protein structure and function are either unavailable or do not agree on the potential impact of this missense change (SIFT: "Not Available"; PolyPhen-2: "Benign"; Align-GVGD: "Not Available"). This variant has not been reported in the literature in individuals affected with TMC6-related conditions. This variant is not present in population databases (gnomAD no frequency). This sequence change replaces alanine, which is neutral and non-polar, with serine, which is neutral and polar, at codon 445 of the TMC6 protein (p.Ala445Ser).